The following is an entry in ClinVar:

ClinVar aggregate classification (germline): Benign/Likely benign. Review status: criteria provided, multiple submitters, no conflicts (2 of 4 stars). 3 submissions from 3 submitters: Benign (1); Likely benign (2). Last evaluated 2025-12-08.

Conditions:
Familial hypercholesterolemia. Also called: Familial hypercholesterolemias; Familial hypercholesterolaemia. Identifiers: MedGen C0020445, MONDO:0005439.
Cardiovascular phenotype. Identifiers: MedGen CN230736.
Familial hypobetalipoproteinemia 1. Also called: Hypobetalipoproteinemia, normotriglyceridemic; Acanthocytosis with hypobetalipoproteinemia; APOB-Related Familial Hypobetalipoproteinemia. Identifiers: MedGen C4551990, MONDO:0014252, OMIM 615558.
Hypercholesterolemia, autosomal dominant, type B (FHCL2). Also called: Familial Hypercholesterolemia Type B; HYPERCHOLESTEROLEMIA, FAMILIAL, DUE TO LIGAND-DEFECTIVE APOLIPOPROTEIN B; Familial hypercholesterolemia 2; APOB-Related Familial Hypercholesterolemia, Autosomal Dominant; APOLIPOPROTEIN B-100, FAMILIAL DEFECTIVE; APOLIPOPROTEIN B-100, FAMILIAL LIGAND-DEFECTIVE. Identifiers: MedGen C1704417, MONDO:0007751, OMIM 144010.

Allele frequency attached by ClinVar (database versions not stated): gnomAD exomes 0.00001 and 0.00015; TOPMed 0.00003; gnomAD 0.00004; ExAC 0.00014; 1000 Genomes Project 30x 0.00016; 1000 Genomes Project 0.00020.
gnomAD v4.1: 27 of 1,614,190 alleles (0.0017%); highest among the groups gnomAD compares: East Asian, 0.056%; no homozygotes.

Submissions (3):

Labcorp Genetics (formerly Invitae), Labcorp
Classification: Benign for Familial hypobetalipoproteinemia 1; Hypercholesterolemia, autosomal dominant, type B. Last evaluated: 2025-12-08. Review status: criteria provided, single submitter. Criteria: Invitae Variant Classification Sherloc (09022015). Collection method: clinical testing. Allele origin: germline.

GENinCode PLC
Classification: Likely benign for Familial hypercholesterolemia. Last evaluated: 2023-06-22. Review status: criteria provided, single submitter. Criteria: ACMG Guidelines, 2015. Collection method: clinical testing. Allele origin: germline.
Comment: This is a synonymous (silent) variant that is not predicted by SpliceAI to impact splicing. In addition, it occurs at a nucleotide that is not conserved and has a PopMax FAF which is greater than expected for this disorder. Therefore this variant has been classified as Likely Benign (BS1, BP4, BP7).

Ambry Genetics
Classification: Likely benign for Cardiovascular phenotype. Last evaluated: 2020-09-20. Review status: criteria provided, single submitter. Criteria: Ambry Variant Classification Scheme 2023. Collection method: clinical testing. Allele origin: germline.

NM_000384.3(APOB):c.3894T>C (p.Ile1298=)

Gene: APOB (apolipoprotein B; minus strand). Cytogenetic location: 2p24.1.
Variant type: single nucleotide variant.
Coding change: c.3894T>C on transcript NM_000384.3 (MANE Select); coding-DNA position 3894, T replaced by C.
Protein change: p.Ile1298=; no amino-acid change (isoleucine 1298 retained).
Molecular consequence: synonymous variant.
Genome position (GRCh38, 1-based): chr2:21,013,482, A>G on the plus strand (T>C on the coding strand, the complement: APOB is on the minus strand). VCF-style: chr2-21013482-A-G. GRCh37 (hg19) VCF-style: chr2-21236354-A-G.
Identifiers: ClinVar variation 925571 (VCV000925571.13), dbSNP rs200535828, ClinGen allele CA060147.